The following is an entry in ClinVar:

ClinVar aggregate classification (germline): Likely pathogenic (1 of 4 stars; one submission).

Conditions:
Autosomal recessive limb-girdle muscular dystrophy type 2L (LGMDR12). Also called: MUSCULAR DYSTROPHY, LIMB-GIRDLE, AUTOSOMAL RECESSIVE 12; Limb-Girdle Muscular Dystrophy R12 Anoctamin-5-Related (LGMD-R12); Limb-girdle muscular dystrophy, type 2L. Identifiers: Orphanet 206549, MedGen C1969785, MONDO:0012652, OMIM 611307.
Miyoshi muscular dystrophy 3 (MMD3). Also called: Miyoshi myopathy 3; Miyoshi Muscular Dystrophy 3 (MMD3). Identifiers: Orphanet 399096, MedGen C2750076, MONDO:0013222, OMIM 613319.

Submission:

Kariminejad - Najmabadi Pathology & Genetics Center
Classification: Likely pathogenic for Miyoshi muscular dystrophy 3; Autosomal recessive limb-girdle muscular dystrophy type 2L. Last evaluated: 2022-03-02. Review status: criteria provided, single submitter. Criteria: ACMG Guidelines, 2015. Collection method: clinical testing. Allele origin: germline. Inheritance: Autosomal recessive inheritance. Affected: yes.
Comment: PM2, PVS1

NM_213599.3(ANO5):c.1777_1780del (p.Phe593fs)

Gene: ANO5 (anoctamin 5; plus strand). Cytogenetic location: 11p14.3.
Variant type: Microsatellite.
Coding change: c.1777_1780del on transcript NM_213599.3 (MANE Select); coding-DNA positions 1777 to 1780, 4 bases deleted (TTTA; older notation c.1777_1780delTTTA).
Protein change: p.Phe593fs; shifts the reading frame from phenylalanine 593.
Molecular consequence: frameshift variant.
Genome position (GRCh38, 1-based): chr11:22,262,275-22,262,278, TTTA deleted; deleting any 4 consecutive bases within chr11:22,262,269-22,262,278 gives the same sequence; the c. name uses the placement nearest the transcript's 3' end. VCF-style (leftmost placement, unchanged base first): chr11-22262268-ATATT-A. GRCh37 (hg19) VCF-style: chr11-22283814-ATATT-A.
Other names: c.1777_1780delTTTA (NM_213599.3); c.1774_1777del, p.Phe592fs (NM_001142649.2); c.1735_1738del, p.Phe579fs (NM_001410963.1); c.1732_1735del, p.Phe578fs (NM_001410964.1); short protein forms F578fs, F579fs, F592fs, F593fs.
Identifiers: ClinVar variation 3896778 (VCV003896778.1).
Genomic context (GRCh38, chr11:22,262,268, plus strand): 5'-ATCCTGCTTCTACGTAGCTTTCTTTAAAGGGAAGTTCGTAGGCTATCCTGGAAAATACAC[ATATT>A]TATTTAATGAGTGGAGAAGTGAAGAGGTAAGAATTTCCTTGAGAGTTGAGGTGTGTAGCT-3'